The following is an entry in ClinVar:

ClinVar aggregate classification (germline): Likely benign. Review status: criteria provided, multiple submitters, no conflicts (2 of 4 stars). 2 submissions from 2 submitters: Likely benign (2). Last evaluated 2025-06-15.

Allele frequency attached by ClinVar (database versions not stated): TOPMed 0.00002.
gnomAD v4.1: 6 of 1,613,874 alleles (0.00037%); highest among the groups gnomAD compares: East Asian, 0.013%; no homozygotes.

Submissions (2):

Ambry Genetics
Classification: Likely benign. Last evaluated: 2025-06-15. Review status: criteria provided, single submitter. Criteria: Ambry Variant Classification Scheme 2023. Collection method: clinical testing. Allele origin: germline.

Laboratory for Molecular Medicine, Mass General Brigham Personalized Medicine
Classification: Likely benign. Last evaluated: 2015-06-22. Review status: criteria provided, single submitter. Criteria: LMM Criteria. Collection method: clinical testing. Allele origin: germline. Observed: 1 variant allele.
Comment: p.Pro916Pro in exon 26 of NEBL: This variant is not expected to have clinical si gnificance because it does not alter an amino acid residue and is not located wi thin the splice consensus sequence. It has been identified in 4/8588 East Asian chromosomes by the Exome Aggregation Consortium .

NM_006393.3(NEBL):c.2748G>T (p.Pro916=)

Gene: NEBL (nebulette; minus strand). Cytogenetic location: 10p12.31.
Variant type: single nucleotide variant.
Coding change: c.2748G>T on transcript NM_006393.3 (MANE Select); coding-DNA position 2748, G replaced by T.
Protein change: p.Pro916=; no amino-acid change (proline 916 retained).
Molecular consequence: synonymous variant. On other transcripts: intron variant (9).
Genome position (GRCh38, 1-based): chr10:20,808,523, C>A on the plus strand (G>T on the coding strand, the complement: NEBL is on the minus strand). VCF-style: chr10-20808523-C-A. GRCh37 (hg19) VCF-style: chr10-21097452-C-A.
Other names: c.421+4246G>T (NM_001377326.1, NM_001377327.1, NM_001377328.1); c.529+4246G>T (NM_213569.2, NM_001173484.2); c.622+1283G>T (NM_001377322.1); c.472+4246G>T (NM_001377324.1); c.463+4246G>T (NM_001377325.1); c.481+4246G>T (NM_001377323.1).
Identifiers: ClinVar variation 227735 (VCV000227735.6), dbSNP rs778128527, ClinGen allele CA5432346.